The following is an entry in ClinVar:

NM_001330691.3(CEP78):c.180dup (p.Thr61fs)

Gene: CEP78 (centrosomal protein 78; plus strand). Cytogenetic location: 9q21.2.
Variant type: Duplication.
Coding change: c.180dup on transcript NM_001330691.3 (MANE Select); coding-DNA position 180, one base duplicated (C; older notation c.180dupC).
Protein change: p.Thr61fs; shifts the reading frame from threonine 61.
Molecular consequence: frameshift variant.
Genome position (GRCh38, 1-based): chr9:78,236,530, C duplicated. VCF-style (leftmost placement, unchanged base first): chr9-78236529-G-GC. GRCh37 (hg19) VCF-style: chr9-80851445-G-GC.
Other names: c.180dup, p.Thr61fs (NM_001098802.3, NM_001330693.3, NM_001330694.2 and 4 more transcripts); short protein forms T61fs.
Identifiers: ClinVar variation 4726614 (VCV004726614.1), dbSNP rs2118047238.
Genomic context (GRCh38, chr9:78,236,529, plus strand): 5'-AGGGCGTGCTGGATTTCAACGCCGACCGCCTCCGCGGGGTGGACTGGGCGCCTCTGCTGA[G>GC]CACCCTCAAGATCAATAAAGACCTGCCCTTGGTCTCCATCAAGAGCTTCTTCCAGCCCTG-3'

ClinVar aggregate classification (germline): Pathogenic (1 of 4 stars; one submission).

Submission:

Labcorp Genetics (formerly Invitae), Labcorp
Classification: Pathogenic. Last evaluated: 2025-02-17. Review status: criteria provided, single submitter. Criteria: Invitae Variant Classification Sherloc (09022015). Collection method: clinical testing. Allele origin: germline.
Comment: This sequence change creates a premature translational stop signal (p.Thr61Hisfs*6) in the CEP78 gene. It is expected to result in an absent or disrupted protein product. Loss-of-function variants in CEP78 are known to be pathogenic (PMID: 27588451, 27588452, 27627988). This variant is not present in population databases (gnomAD no frequency). This variant has not been reported in the literature in individuals affected with CEP78-related conditions. For these reasons, this variant has been classified as Pathogenic.

Literature cited by the submitters: PubMed 27588451; PubMed 27588452; PubMed 27627988.